The following is an entry in ClinVar:

NM_001393769.1(MED12L):c.4354_4355insG (p.Leu1452fs)

Genes: P2RY12 (purinergic receptor P2Y12; minus strand), MED12L (mediator complex subunit 12L; plus strand). Cytogenetic location: 3q25.1.
Variant type: Insertion.
Coding change: c.4354_4355insG on transcript NM_001393769.1 (MANE Select); coding-DNA positions 4354 to 4355, G inserted.
Protein change: p.Leu1452fs; shifts the reading frame from leucine 1452.
Molecular consequence: frameshift variant. On other transcripts: intron variant (1).
Genome position: GRCh38 VCF-style: chr3-151378049-C-CG. GRCh37 (hg19) VCF-style: chr3-151095837-C-CG.
Other names: c.4249_4250insG, p.Leu1417fs (NM_053002.6); c.-180+6642_-180+6643insC (NM_022788.5); short protein forms L1417fs, L1452fs.
Identifiers: ClinVar variation 3361598 (VCV003361598.2).

ClinVar aggregate classification (germline): Likely pathogenic (1 of 4 stars; one submission).

Submission:

GeneDx
Classification: Likely pathogenic. Last evaluated: 2025-06-26. Review status: criteria provided, single submitter. Criteria: GeneDx Variant Classification Process June 2021. Collection method: clinical testing. Allele origin: germline.
Comment: Frameshift variant predicted to result in protein truncation or nonsense mediated decay in a gene for which loss of function is a known mechanism of disease; Not observed at significant frequency in large population cohorts (gnomAD); Has not been previously published as pathogenic or benign to our knowledge